The following is an entry in ClinVar:

ClinVar aggregate classification (germline): Uncertain significance (1 of 4 stars; one submission).

Conditions:
Familial cold autoinflammatory syndrome 2 (FCAS2). Identifiers: Orphanet 247868, MedGen C2673198, MONDO:0012724, OMIM 611762.

gnomAD v4.1: 4 of 1,614,096 alleles (0.00025%); highest among the groups gnomAD compares: Middle Eastern, 0.016%; no homozygotes.

Submission:

Labcorp Genetics (formerly Invitae), Labcorp
Classification: Uncertain significance for Familial cold autoinflammatory syndrome 2. Last evaluated: 2025-12-24. Review status: criteria provided, single submitter. Criteria: Invitae Variant Classification Sherloc (09022015). Collection method: clinical testing. Allele origin: germline.
Comment: This sequence change replaces arginine, which is basic and polar, with glycine, which is neutral and non-polar, at codon 728 of the NLRP12 protein (p.Arg728Gly). This variant is present in population databases (no rsID available, gnomAD 0.0009%). This variant has not been reported in the literature in individuals affected with NLRP12-related conditions. ClinVar contains an entry for this variant (Variation ID: 1008765). Invitae Evidence Modeling of protein sequence and biophysical properties (such as structural, functional, and spatial information, amino acid conservation, physicochemical variation, residue mobility, and thermodynamic stability) indicates that this missense variant is not expected to disrupt NLRP12 protein function with a negative predictive value of 80%. In summary, the available evidence is currently insufficient to determine the role of this variant in disease. Therefore, it has been classified as a Variant of Uncertain Significance.

NM_144687.4(NLRP12):c.2182C>G (p.Arg728Gly)

Gene: NLRP12 (NLR family pyrin domain containing 12; minus strand). Cytogenetic location: 19q13.42.
Variant type: single nucleotide variant.
Coding change: c.2182C>G on transcript NM_144687.4 (MANE Select); coding-DNA position 2182, C replaced by G.
Protein change: p.Arg728Gly; replaces arginine 728 with glycine.
Molecular consequence: missense variant.
Genome position (GRCh38, 1-based): chr19:53,807,556, G>C on the plus strand (C>G on the coding strand, the complement: NLRP12 is on the minus strand). VCF-style: chr19-53807556-G-C. GRCh37 (hg19) VCF-style: chr19-54310810-G-C.
Other names: c.2185C>G, p.Arg729Gly (NM_001277126.2); c.2182C>G, p.Arg728Gly (NM_001277129.1); short protein forms R728G, R729G.
Identifiers: ClinVar variation 1008765 (VCV001008765.8), dbSNP rs764354581, ClinGen allele CA310067365.